The following is an entry in ClinVar:

ClinVar aggregate classification (germline): Uncertain significance. Review status: criteria provided, multiple submitters, no conflicts (2 of 4 stars). 2 submissions from 2 submitters: Uncertain significance (2). Last evaluated 2025-08-03.

Conditions:
Inborn genetic diseases. Identifiers: MedGen C0950123, MeSH D030342.

Allele frequency attached by ClinVar (database versions not stated): gnomAD exomes below 0.00001; TOPMed below 0.00001; ExAC 0.00001.
gnomAD v4.1: 1 of 1,614,142 alleles (0.000062%); highest among the groups gnomAD compares: Admixed American, 0.0017%; no homozygotes.

Submissions (2):

Ambry Genetics
Classification: Uncertain significance for Inborn genetic diseases. Last evaluated: 2025-08-03. Review status: criteria provided, single submitter. Criteria: Ambry Variant Classification Scheme 2023. Collection method: clinical testing. Allele origin: germline.

Labcorp Genetics (formerly Invitae), Labcorp
Classification: Uncertain significance. Last evaluated: 2023-10-03. Review status: criteria provided, single submitter. Criteria: Invitae Variant Classification Sherloc (09022015). Collection method: clinical testing. Allele origin: germline.
Comment: This sequence change replaces asparagine, which is neutral and polar, with serine, which is neutral and polar, at codon 127 of the COL9A1 protein (p.Asn127Ser). This variant is present in population databases (rs763327020, gnomAD 0.003%). This variant has not been reported in the literature in individuals affected with COL9A1-related conditions. ClinVar contains an entry for this variant (Variation ID: 1512827). Advanced modeling of protein sequence and biophysical properties (such as structural, functional, and spatial information, amino acid conservation, physicochemical variation, residue mobility, and thermodynamic stability) performed at Invitae indicates that this missense variant is not expected to disrupt COL9A1 protein function. In summary, the available evidence is currently insufficient to determine the role of this variant in disease. Therefore, it has been classified as a Variant of Uncertain Significance.

NM_001851.6(COL9A1):c.380A>G (p.Asn127Ser)

Gene: COL9A1 (collagen type IX alpha 1 chain; minus strand). Cytogenetic location: 6q13.
Variant type: single nucleotide variant.
Coding change: c.380A>G on transcript NM_001851.6 (MANE Select); coding-DNA position 380, A replaced by G.
Protein change: p.Asn127Ser; replaces asparagine 127 with serine.
Molecular consequence: missense variant.
Genome position (GRCh38, 1-based): chr6:70,294,483, T>C on the plus strand (A>G on the coding strand, the complement: COL9A1 is on the minus strand). VCF-style: chr6-70294483-T-C. GRCh37 (hg19) VCF-style: chr6-71004186-T-C.
Other names: c.380A>G, p.Asn127Ser (NM_001377291.1); c.380A>G (NM_001851.4); short protein forms N127S.
Identifiers: ClinVar variation 1512827 (VCV001512827.6), dbSNP rs763327020, ClinGen allele CA3882825.